The following is an entry in ClinVar:

NM_207361.6(FREM2):c.443G>C (p.Arg148Pro)

Gene: FREM2 (FRAS1 related extracellular matrix 2; plus strand). Cytogenetic location: 13q13.3.
Variant type: single nucleotide variant.
Coding change: c.443G>C on transcript NM_207361.6 (MANE Select); coding-DNA position 443, G replaced by C.
Protein change: p.Arg148Pro; replaces arginine 148 with proline.
Molecular consequence: missense variant.
Genome position (GRCh38, 1-based): chr13:38,687,787, G>C. VCF-style: chr13-38687787-G-C. GRCh37 (hg19) VCF-style: chr13-39261924-G-C.
Other names: short protein forms R148P.
Identifiers: ClinVar variation 3705609 (VCV003705609.2).

ClinVar aggregate classification (germline): Uncertain significance (1 of 4 stars; one submission).

gnomAD v4.1: 33 of 1,538,156 alleles (0.0021%); highest among the groups gnomAD compares: East Asian, 0.011%; no homozygotes.

Submission:

Labcorp Genetics (formerly Invitae), Labcorp
Classification: Uncertain significance. Last evaluated: 2024-10-16. Review status: criteria provided, single submitter. Criteria: Invitae Variant Classification Sherloc (09022015). Collection method: clinical testing. Allele origin: germline.
Comment: This sequence change replaces arginine, which is basic and polar, with proline, which is neutral and non-polar, at codon 148 of the FREM2 protein (p.Arg148Pro). This variant is present in population databases (rs771722643, gnomAD 0.02%). This variant has not been reported in the literature in individuals affected with FREM2-related conditions. Invitae Evidence Modeling of protein sequence and biophysical properties (such as structural, functional, and spatial information, amino acid conservation, physicochemical variation, residue mobility, and thermodynamic stability) indicates that this missense variant is expected to disrupt FREM2 protein function with a positive predictive value of 80%. In summary, the available evidence is currently insufficient to determine the role of this variant in disease. Therefore, it has been classified as a Variant of Uncertain Significance.